The following is an entry in ClinVar:

ClinVar aggregate classification (germline): Uncertain significance (1 of 4 stars; one submission).

Conditions:
Rubinstein-Taybi syndrome (RSTS). Identifiers: Orphanet 783, MedGen C0035934, MONDO:0019188.

Submission:

Labcorp Genetics (formerly Invitae), Labcorp
Classification: Uncertain significance for Rubinstein-Taybi syndrome. Last evaluated: 2023-08-10. Review status: criteria provided, single submitter. Criteria: Invitae Variant Classification Sherloc (09022015). Collection method: clinical testing. Allele origin: germline.
Comment: This sequence change replaces methionine, which is neutral and non-polar, with leucine, which is neutral and non-polar, at codon 1661 of the CREBBP protein (p.Met1661Leu). This variant is not present in population databases (gnomAD no frequency). This variant has not been reported in the literature in individuals affected with CREBBP-related conditions. Advanced modeling of protein sequence and biophysical properties (such as structural, functional, and spatial information, amino acid conservation, physicochemical variation, residue mobility, and thermodynamic stability) performed at Invitae indicates that this missense variant is expected to disrupt CREBBP protein function. In summary, the available evidence is currently insufficient to determine the role of this variant in disease. Therefore, it has been classified as a Variant of Uncertain Significance.

NM_004380.3(CREBBP):c.4981A>C (p.Met1661Leu)

Gene: CREBBP (CREB binding lysine acetyltransferase; minus strand). Cytogenetic location: 16p13.3.
Variant type: single nucleotide variant.
Coding change: c.4981A>C on transcript NM_004380.3 (MANE Select); coding-DNA position 4981, A replaced by C.
Protein change: p.Met1661Leu; replaces methionine 1661 with leucine.
Molecular consequence: missense variant.
Genome position (GRCh38, 1-based): chr16:3,731,383, T>G on the plus strand (A>C on the coding strand, the complement: CREBBP is on the minus strand). VCF-style: chr16-3731383-T-G. GRCh37 (hg19) VCF-style: chr16-3781384-T-G.
Other names: c.4867A>C, p.Met1623Leu (NM_001079846.1); short protein forms M1623L, M1661L.
Identifiers: ClinVar variation 2840590 (VCV002840590.3), dbSNP rs2151317061, ClinGen allele CA394558795.